The following is an entry in ClinVar:

ClinVar aggregate classification (germline): Pathogenic (1 of 4 stars; one submission).

Conditions:
Pituitary hormone deficiency.

Submission:

Cambridge Genomics Laboratory, East Genomic Laboratory Hub, NHS Genomic Medicine Service
Classification: Pathogenic for Pituitary hormone deficiency. Last evaluated: 2025-04-25. Review status: criteria provided, single submitter. Criteria: ACGS Best Practice Guidelines for Variant Classification in Rare Disease 2020. Collection method: clinical testing. Allele origin: germline. Affected: yes.
Comment: PVS1,PM2

NM_001555.5(IGSF1):c.257_264dup (p.Val89fs)

Gene: IGSF1 (immunoglobulin superfamily member 1; minus strand). Cytogenetic location: Xq26.1.
Variant type: Duplication.
Coding change: c.257_264dup on transcript NM_001555.5 (MANE Select); coding-DNA positions 257 to 264, 8 bases duplicated (CCTTCCAA; older notation c.257_264dupCCTTCCAA).
Protein change: p.Val89fs; shifts the reading frame from valine 89.
Molecular consequence: frameshift variant.
Genome position (GRCh38, 1-based): chrX:131,285,882-131,285,889, TTGGAAGG duplicated on the plus strand (CCTTCCAA on the coding strand, the reverse complement: IGSF1 is on the minus strand); duplicating any 8 consecutive bases within chrX:131,285,882-131,285,890 gives the same sequence; the c. name uses the placement nearest the transcript's 3' end. VCF-style (leftmost placement, unchanged base first): chrX-131285881-C-CTTGGAAGG. GRCh37 (hg19) VCF-style: chrX-130419855-C-CTTGGAAGG.
Other names: c.257_264dup, p.Val89fs (NM_001170961.2, NM_001170963.2, NM_001438811.1 and 5 more transcripts); c.230_237dup, p.Val80fs (NM_001170962.2); short protein forms V80fs, V89fs.
Identifiers: ClinVar variation 4683155 (VCV004683155.1).